The following is an entry in ClinVar:

NM_001256545.2(MEGF10):c.*1410G>T

Gene: MEGF10 (multiple EGF like domains 10; plus strand). Cytogenetic location: 5q23.2.
Variant type: single nucleotide variant.
Coding change: c.*1410G>T on transcript NM_001256545.2 (MANE Select); 1410 bases downstream of the stop codon, G replaced by T.
Molecular consequence: 3 prime UTR variant.
Genome position (GRCh38, 1-based): chr5:127,458,728, G>T. VCF-style: chr5-127458728-G-T. GRCh37 (hg19) VCF-style: chr5-126794420-G-T.
Other names: c.*1410G>T (NM_032446.3).
Identifiers: ClinVar variation 350690 (VCV000350690.6), dbSNP rs11745840, ClinGen allele CA10622430.

ClinVar aggregate classification (germline): Likely benign. Review status: criteria provided, multiple submitters, no conflicts (2 of 4 stars). 2 submissions from 2 submitters: Likely benign (2). Last evaluated 2018-01-13.

Conditions:
MEGF10-related myopathy (CMYO10A). Also called: Congenital myopathy 10A, severe variant. Identifiers: Orphanet 439212, MedGen C3280679, MONDO:0013731, OMIM 614399.

Allele frequency attached by ClinVar (database versions not stated): gnomAD 0.04651 and 0.04852; TOPMed 0.04800; 1000 Genomes Project 30x 0.06340; 1000 Genomes Project 0.06649.

Submissions (2):

Illumina Laboratory Services, Illumina
Classification: Likely benign for MEGF10-related myopathy. Last evaluated: 2018-01-13. Review status: criteria provided, single submitter. Criteria: ICSL Variant Classification Criteria 13 December 2019. Collection method: clinical testing. Allele origin: germline.
Comment: This variant was observed in the ICSL laboratory as part of a predisposition screen in an ostensibly healthy population. It had not been previously curated by ICSL or reported in the Human Gene Mutation Database (HGMD: prior to June 1st, 2018), and was therefore a candidate for classification through an automated scoring system. Utilizing variant allele frequency, disease prevalence and penetrance estimates, and inheritance mode, an automated score was calculated to assess if this variant is too frequent to cause the disease. Based on the score and internal cut-off values, a variant classified as likely benign is not then subjected to further curation. The score for this variant resulted in a classification of likely benign for this disease.

Breakthrough Genomics
Classification: Likely benign. Review status: criteria provided, single submitter. Criteria: ACMG Guidelines, 2015. Collection method: not provided. Allele origin: germline. Inheritance: Autosomal recessive inheritance. Affected: yes.